The following is an entry in ClinVar:

ClinVar aggregate classification (germline): Uncertain significance (1 of 4 stars; one submission).

Conditions:
Cardiovascular phenotype. Identifiers: MedGen CN230736.

gnomAD v4.1: 2 of 1,503,046 alleles (0.00013%); highest among the groups gnomAD compares: Non-Finnish European, 0.00018%; no homozygotes.

Submission:

Ambry Genetics
Classification: Uncertain significance for Cardiovascular phenotype. Last evaluated: 2024-12-14. Review status: criteria provided, single submitter. Criteria: Ambry Variant Classification Scheme 2023. Collection method: clinical testing. Allele origin: germline.
Comment: The p.A181T variant (also known as c.541G>A), located in coding exon 1 of the GATA4 gene, results from a G to A substitution at nucleotide position 541. The alanine at codon 181 is replaced by threonine, an amino acid with similar properties. This amino acid position is conserved. In addition, the in silico prediction for this alteration is inconclusive. Based on the available evidence, the clinical significance of this variant remains unclear.

NM_001308093.3(GATA4):c.541G>A (p.Ala181Thr)

Gene: GATA4 (GATA binding protein 4). Cytogenetic location: 8p23.1.
Variant type: single nucleotide variant.
Coding change: c.541G>A on transcript NM_001308093.3 (MANE Select); coding-DNA position 541, G replaced by A.
Protein change: p.Ala181Thr; replaces alanine 181 with threonine.
Molecular consequence: missense variant. On other transcripts: intron variant (3).
Genome position (GRCh38, 1-based): chr8:11,708,853, G>A. VCF-style: chr8-11708853-G-A. GRCh37 (hg19) VCF-style: chr8-11566362-G-A.
Other names: c.541G>A, p.Ala181Thr (NM_002052.5); c.-6+8075G>A (NM_001308094.2); c.-3+839G>A (NM_001374274.1); c.-3+4549G>A (NM_001374273.1); short protein forms A181T.
Identifiers: ClinVar variation 3853044 (VCV003853044.1).